The following is an entry in ClinVar:

ClinVar aggregate classification (germline): Uncertain significance. Review status: criteria provided, multiple submitters, no conflicts (2 of 4 stars). 3 submissions from 3 submitters: Uncertain significance (2). 1 of the submissions does not count toward it. Last evaluated 2025-03-21.

Conditions:
Usher syndrome type 1C. Also called: USHER SYNDROME, TYPE I, ACADIAN VARIETY. Identifiers: Orphanet 231169, Orphanet 886, MedGen C1848604, MONDO:0010171, OMIM 276904.
Inborn genetic diseases. Identifiers: MedGen C0950123, MeSH D030342.

Allele frequency attached by ClinVar (database versions not stated): gnomAD exomes 0.00002 and 0.00004; ExAC 0.00005.

Submissions (3):

Ambry Genetics
Classification: Uncertain significance for Inborn genetic diseases. Last evaluated: 2025-03-21. Review status: criteria provided, single submitter. Criteria: Ambry Variant Classification Scheme 2023. Collection method: clinical testing. Allele origin: germline.

Labcorp Genetics (formerly Invitae), Labcorp
Classification: Uncertain significance. Last evaluated: 2022-10-13. Review status: criteria provided, single submitter. Criteria: Invitae Variant Classification Sherloc (09022015). Collection method: clinical testing. Allele origin: germline.
Comment: This sequence change replaces valine, which is neutral and non-polar, with isoleucine, which is neutral and non-polar, at codon 261 of the USH1C protein (p.Val261Ile). This variant is present in population databases (rs749119650, gnomAD 0.03%). This variant has not been reported in the literature in individuals affected with USH1C-related conditions. ClinVar contains an entry for this variant (Variation ID: 1014574). Algorithms developed to predict the effect of missense changes on protein structure and function are either unavailable or do not agree on the potential impact of this missense change (SIFT: "Tolerated"; PolyPhen-2: "Possibly Damaging"; Align-GVGD: "Class C0"). In summary, the available evidence is currently insufficient to determine the role of this variant in disease. Therefore, it has been classified as a Variant of Uncertain Significance.

Natera, Inc.
Classification: Uncertain significance for Usher syndrome type 1C. Last evaluated: 2020-02-26. Review status: no assertion criteria provided. Collection method: clinical testing. Allele origin: germline. Not counted in ClinVar's aggregate classification.

NM_153676.4(USH1C):c.781G>A (p.Val261Ile)

Gene: USH1C (USH1 protein network component harmonin; minus strand). Cytogenetic location: 11p15.1.
Variant type: single nucleotide variant.
Coding change: c.781G>A on transcript NM_153676.4 (MANE Select); coding-DNA position 781, G replaced by A.
Protein change: p.Val261Ile; replaces valine 261 with isoleucine.
Molecular consequence: missense variant. On other transcripts: non-coding transcript variant (1).
Genome position (GRCh38, 1-based): chr11:17,523,457, C>T on the plus strand (G>A on the coding strand, the complement: USH1C is on the minus strand). VCF-style: chr11-17523457-C-T. GRCh37 (hg19) VCF-style: chr11-17545004-C-T.
Other names: c.781G>A, p.Val261Ile (NM_001297764.2, NM_005709.4); c.781G>A (NM_005709.3); short protein forms V261I.
Identifiers: ClinVar variation 1014574 (VCV001014574.4), dbSNP rs749119650, ClinGen allele CA5904879.